The following is an entry in ClinVar:

NM_000785.4(CYP27B1):c.413G>A (p.Arg138His)

Gene: CYP27B1 (cytochrome P450 family 27 subfamily B member 1; minus strand). Cytogenetic location: 12q14.1.
Variant type: single nucleotide variant.
Coding change: c.413G>A on transcript NM_000785.4 (MANE Select); coding-DNA position 413, G replaced by A.
Protein change: p.Arg138His; replaces arginine 138 with histidine.
Molecular consequence: missense variant.
Genome position (GRCh38, 1-based): chr12:57,765,473, C>T on the plus strand (G>A on the coding strand, the complement: CYP27B1 is on the minus strand). VCF-style: chr12-57765473-C-T. GRCh37 (hg19) VCF-style: chr12-58159256-C-T.
Other names: short protein forms R138H.
Identifiers: ClinVar variation 1445472 (VCV001445472.3), dbSNP rs1452090388, ClinGen allele CA385507120.

ClinVar aggregate classification (germline): Uncertain significance (1 of 4 stars; one submission).

Submission:

Labcorp Genetics (formerly Invitae), Labcorp
Classification: Uncertain significance. Last evaluated: 2022-08-09. Review status: criteria provided, single submitter. Criteria: Invitae Variant Classification Sherloc (09022015). Collection method: clinical testing. Allele origin: germline.
Comment: This sequence change replaces arginine, which is basic and polar, with histidine, which is basic and polar, at codon 138 of the CYP27B1 protein (p.Arg138His). This variant is not present in population databases (gnomAD no frequency). This variant has not been reported in the literature in individuals affected with CYP27B1-related conditions. ClinVar contains an entry for this variant (Variation ID: 1445472). Advanced modeling of protein sequence and biophysical properties (such as structural, functional, and spatial information, amino acid conservation, physicochemical variation, residue mobility, and thermodynamic stability) performed at Invitae indicates that this missense variant is expected to disrupt CYP27B1 protein function. In summary, the available evidence is currently insufficient to determine the role of this variant in disease. Therefore, it has been classified as a Variant of Uncertain Significance.